The following is an entry in ClinVar:

NM_021098.3(CACNA1H):c.2536G>A (p.Ala846Thr)

Gene: CACNA1H (calcium voltage-gated channel subunit alpha1 H; plus strand). Cytogenetic location: 16p13.3.
Variant type: single nucleotide variant.
Coding change: c.2536G>A on transcript NM_021098.3 (MANE Select); coding-DNA position 2536, G replaced by A.
Protein change: p.Ala846Thr; replaces alanine 846 with threonine.
Molecular consequence: missense variant.
Genome position (GRCh38, 1-based): chr16:1,205,198, G>A. VCF-style: chr16-1205198-G-A. GRCh37 (hg19) VCF-style: chr16-1255198-G-A.
Other names: c.2536G>A, p.Ala846Thr (NM_001005407.2); short protein forms A846T.
Identifiers: ClinVar variation 642577 (VCV000642577.8), dbSNP rs1596428784, ClinGen allele CA394167497.

ClinVar aggregate classification (germline): Uncertain significance (1 of 4 stars; one submission).

Conditions:
Idiopathic generalized epilepsy. Also called: Generalised epilepsy; EIG. Identifiers: MedGen C0270850, MONDO:0005579, OMIM 600669.
Hyperaldosteronism, familial, type IV (HALD4). Also called: FH IV; ALDOSTERONISM, PRIMARY, AND HYPERTENSION. Identifiers: Orphanet 642671, MedGen C4310756, MONDO:0014875, OMIM 617027.

Allele frequency attached by ClinVar (database versions not stated): gnomAD exomes below 0.00001.
gnomAD v4.1: 2 of 1,613,070 alleles (0.00012%); highest among the groups gnomAD compares: Non-Finnish European, 0.00017%; no homozygotes.

Submission:

Labcorp Genetics (formerly Invitae), Labcorp
Classification: Uncertain significance for Idiopathic generalized epilepsy; Hyperaldosteronism, familial, type IV. Last evaluated: 2018-10-29. Review status: criteria provided, single submitter. Criteria: Invitae Variant Classification Sherloc (09022015). Collection method: clinical testing. Allele origin: germline.
Comment: This variant has not been reported in the literature in individuals with CACNA1H-related disease. This variant is not present in population databases (ExAC no frequency). This sequence change replaces alanine with threonine at codon 846 of the CACNA1H protein (p.Ala846Thr). The alanine residue is highly conserved and there is a small physicochemical difference between alanine and threonine. In summary, the available evidence is currently insufficient to determine the role of this variant in disease. Therefore, it has been classified as a Variant of Uncertain Significance. Algorithms developed to predict the effect of missense changes on protein structure and function are either unavailable or do not agree on the potential impact of this missense change (SIFT: "Deleterious"; PolyPhen-2: "Possibly Damaging"; Align-GVGD: "Class C0").